The following is an entry in ClinVar:

NM_020366.4(RPGRIP1):c.2794C>G (p.Pro932Ala)

Gene: RPGRIP1 (RPGR interacting protein 1; plus strand). Cytogenetic location: 14q11.2.
Variant type: single nucleotide variant.
Coding change: c.2794C>G on transcript NM_020366.4 (MANE Select); coding-DNA position 2794, C replaced by G.
Protein change: p.Pro932Ala; replaces proline 932 with alanine.
Molecular consequence: missense variant.
Genome position (GRCh38, 1-based): chr14:21,327,706, C>G. VCF-style: chr14-21327706-C-G. GRCh37 (hg19) VCF-style: chr14-21795865-C-G.
Other names: c.772C>G, p.Pro258Ala (NM_001377523.1, NM_001377950.1); c.1720C>G, p.Pro574Ala (NM_001377948.1); c.880C>G, p.Pro294Ala (NM_001377949.1); c.274C>G, p.Pro92Ala (NM_001377951.1); short protein forms P294A, P92A, P574A, P932A, P258A.
Identifiers: ClinVar variation 866687 (VCV000866687.7), dbSNP rs773491339, ClinGen allele CA7089349.
Genomic context (GRCh38, chr14:21,327,706, plus strand): 5'-GCAGAGAAACCCAACGGATCTATTCAAGTGCAACTGGATTGGAAGTTTCCCTACATACCC[C>G]CTGAGAGCTTCCTGAAACCAGAAGCTCAGACTAAGGGGAAGGATACCAAGGACAGTTCAA-3'
Protein context (NP_065099.3, residues 922-942): QLDWKFPYIP[Pro932Ala]ESFLKPEAQT

ClinVar aggregate classification (germline): Uncertain significance. Review status: criteria provided, multiple submitters, no conflicts (2 of 4 stars). 3 submissions from 3 submitters: Uncertain significance (3). Last evaluated 2025-05-27.

Conditions:
Cone-rod dystrophy 13 (CORD13). Identifiers: Orphanet 1872, MedGen C2750720, MONDO:0011987, OMIM 608194.
Leber congenital amaurosis 6 (LCA6). Identifiers: Orphanet 65, MedGen C1854260, MONDO:0013446, OMIM 613826.

Allele frequency attached by ClinVar (database versions not stated): TOPMed 0.00003; gnomAD exomes 0.00005; ExAC 0.00007.
gnomAD v4.1: 40 of 1,613,736 alleles (0.0025%); highest among the groups gnomAD compares: Admixed American, 0.018%; no homozygotes.

Submissions (3):

Labcorp Genetics (formerly Invitae), Labcorp
Classification: Uncertain significance for Leber congenital amaurosis 6; Cone-rod dystrophy 13. Last evaluated: 2025-05-27. Review status: criteria provided, single submitter. Criteria: Invitae Variant Classification Sherloc (09022015). Collection method: clinical testing. Allele origin: germline.
Comment: This sequence change replaces proline, which is neutral and non-polar, with alanine, which is neutral and non-polar, at codon 932 of the RPGRIP1 protein (p.Pro932Ala). This variant is present in population databases (rs773491339, gnomAD 0.02%). This missense change has been observed in individual(s) with Leber congenital amaurosis (internal data). ClinVar contains an entry for this variant (Variation ID: 866687). Invitae Evidence Modeling of protein sequence and biophysical properties (such as structural, functional, and spatial information, amino acid conservation, physicochemical variation, residue mobility, and thermodynamic stability) indicates that this missense variant is expected to disrupt RPGRIP1 protein function with a positive predictive value of 80%. In summary, the available evidence is currently insufficient to determine the role of this variant in disease. Therefore, it has been classified as a Variant of Uncertain Significance.

Blueprint Genetics
Classification: Uncertain significance. Last evaluated: 2024-06-06. Review status: criteria provided, single submitter. Criteria: ACMG Guidelines, 2015. Collection method: clinical testing. Allele origin: germline.

Breakthrough Genomics
Classification: Uncertain significance. Review status: criteria provided, single submitter. Criteria: ACMG Guidelines, 2015. Collection method: not provided. Allele origin: germline. Inheritance: Autosomal recessive inheritance. Affected: yes.